The following is an entry in ClinVar:

NM_182919.4(TICAM1):c.1354A>G (p.Ile452Val)

Gene: TICAM1 (TIR domain containing adaptor molecule 1; minus strand). Cytogenetic location: 19p13.3.
Variant type: single nucleotide variant.
Coding change: c.1354A>G on transcript NM_182919.4 (MANE Select); coding-DNA position 1354, A replaced by G.
Protein change: p.Ile452Val; replaces isoleucine 452 with valine.
Molecular consequence: missense variant.
Genome position (GRCh38, 1-based): chr19:4,817,024, T>C on the plus strand (A>G on the coding strand, the complement: TICAM1 is on the minus strand). VCF-style: chr19-4817024-T-C. GRCh37 (hg19) VCF-style: chr19-4817036-T-C.
Other names: c.1312A>G, p.Ile438Val (NM_001385678.1); c.1219A>G, p.Ile407Val (NM_001385679.1); c.712A>G, p.Ile238Val (NM_001385680.1); short protein forms I238V, I438V, I407V, I452V.
Identifiers: ClinVar variation 2072696 (VCV002072696.3), dbSNP rs2512398252, ClinGen allele CA403489980.

ClinVar aggregate classification (germline): Uncertain significance (1 of 4 stars; one submission).

Conditions:
Encephalopathy, acute, infection-induced (herpes-specific), susceptibility to, 6. Also called: Herpes simplex encephalitis, susceptibility to, 4. Identifiers: Orphanet 1930, MedGen C3553869, MONDO:0013921, OMIM 614850.

Submission:

Labcorp Genetics (formerly Invitae), Labcorp
Classification: Uncertain significance for Encephalopathy, acute, infection-induced (herpes-specific), susceptibility to, 6. Last evaluated: 2022-02-14. Review status: criteria provided, single submitter. Criteria: Invitae Variant Classification Sherloc (09022015). Collection method: clinical testing. Allele origin: germline.
Comment: This variant is not present in population databases (gnomAD no frequency). This sequence change replaces isoleucine, which is neutral and non-polar, with valine, which is neutral and non-polar, at codon 452 of the TICAM1 protein (p.Ile452Val). This variant has not been reported in the literature in individuals affected with TICAM1-related conditions. In summary, the available evidence is currently insufficient to determine the role of this variant in disease. Therefore, it has been classified as a Variant of Uncertain Significance. Algorithms developed to predict the effect of missense changes on protein structure and function output the following: SIFT: "Tolerated"; PolyPhen-2: "Benign"; Align-GVGD: "Class C0". The valine amino acid residue is found in multiple mammalian species, which suggests that this missense change does not adversely affect protein function.